The following is an entry in ClinVar:

NM_003072.5(SMARCA4):c.983C>G (p.Pro328Arg)

Gene: SMARCA4 (SWI/SNF related BAF chromatin remodeling complex subunit ATPase 4; plus strand). Cytogenetic location: 19p13.2.
Variant type: single nucleotide variant.
Coding change: c.983C>G on transcript NM_003072.5 (MANE Select); coding-DNA position 983, C replaced by G.
Protein change: p.Pro328Arg; replaces proline 328 with arginine.
Molecular consequence: missense variant. On other transcripts: non-coding transcript variant (1).
Genome position (GRCh38, 1-based): chr19:10,987,789, C>G. VCF-style: chr19-10987789-C-G. GRCh37 (hg19) VCF-style: chr19-11098465-C-G.
Other names: c.983C>G, p.Pro328Arg (NM_001128844.3, NM_001128845.2, NM_001128846.2 and 4 more transcripts); short protein forms P328R.
Identifiers: ClinVar variation 823499 (VCV000823499.4), dbSNP rs370097699, ClinGen allele CA404058576.

ClinVar aggregate classification (germline): Uncertain significance (1 of 4 stars; one submission).

Conditions:
Hereditary cancer-predisposing syndrome. Also called: Tumor predisposition; Hereditary Cancer Syndrome; Neoplastic Syndromes, Hereditary; Hereditary neoplastic syndrome. Identifiers: Orphanet 140162, MedGen C0027672, MeSH D009386, MONDO:0015356.

Submission:

Ambry Genetics
Classification: Uncertain significance for Hereditary cancer-predisposing syndrome. Last evaluated: 2019-11-11. Review status: criteria provided, single submitter. Criteria: Ambry Variant Classification Scheme 2023. Collection method: clinical testing. Allele origin: germline.
Comment: The p.P328R variant (also known as c.983C>G), located in coding exon 5 of the SMARCA4 gene, results from a C to G substitution at nucleotide position 983. The proline at codon 328 is replaced by arginine, an amino acid with dissimilar properties. This amino acid position is well conserved in available vertebrate species. In addition, the in silico prediction for this alteration is inconclusive. Since supporting evidence is limited at this time, the clinical significance of this alteration remains unclear.